The following is an entry in ClinVar:

ClinVar aggregate classification (germline): Likely benign (1 of 4 stars; one submission).

Allele frequency attached by ClinVar (database versions not stated): gnomAD exomes 0.00108; gnomAD 0.00164.
gnomAD v4.1: 1,275 of 1,041,526 alleles (0.12%); highest among the groups gnomAD compares: Middle Eastern, 1.7%; 4 homozygotes.

Submission:

CeGaT Center for Human Genetics Tuebingen
Classification: Likely benign. Last evaluated: 2024-02-01. Review status: criteria provided, single submitter. Criteria: CeGaT Center For Human Genetics Tuebingen Variant Classification Criteria Version 2. Collection method: clinical testing. Allele origin: germline. Affected: yes. Observed: 3 variant alleles.
Comment: POU3F3: BP4, BP7, BS1

NM_006236.3(POU3F3):c.588A>C (p.Ala196=)

Gene: POU3F3 (POU class 3 homeobox 3; plus strand). Cytogenetic location: 2q12.1.
Variant type: single nucleotide variant.
Coding change: c.588A>C on transcript NM_006236.3 (MANE Select); coding-DNA position 588, A replaced by C.
Protein change: p.Ala196=; no amino-acid change (alanine 196 retained).
Molecular consequence: synonymous variant.
Genome position (GRCh38, 1-based): chr2:104,856,098, A>C. VCF-style: chr2-104856098-A-C. GRCh37 (hg19) VCF-style: chr2-105472556-A-C.
Identifiers: ClinVar variation 2651220 (VCV002651220.24), dbSNP rs768770377, ClinGen allele CA1812940.